The following is an entry in ClinVar:

ClinVar aggregate classification (germline): Pathogenic (1 of 4 stars; one submission).

Conditions:
Bardet-Biedl syndrome (BBS). Identifiers: Orphanet 110, MedGen C0752166, MONDO:0015229.

Submission:

Women's Health and Genetics/Laboratory Corporation of America, LabCorp
Classification: Pathogenic for Bardet-Biedl syndrome. Last evaluated: 2024-12-13. Review status: criteria provided, single submitter. Criteria: LabCorp Variant Classification Summary - May 2015. Collection method: clinical testing. Allele origin: germline.
Comment: Variant summary: BBS9 c.2419C>T (p.Gln807X) results in a premature termination codon, predicted to cause a truncation of the encoded protein or absence of the protein due to nonsense mediated decay, which are commonly known mechanisms for disease. The variant was absent in 251488 control chromosomes. c.2419C>T has been reported in the literature in compound heterozygous individuals affected with Bardet-Biedl Syndrome (e.g. Kim_2019). To our knowledge, no experimental evidence demonstrating an impact on protein function has been reported. The following publication has been ascertained in the context of this evaluation (PMID: 31144483). The following publication has been ascertained in the context of this evaluation (PMID: 31144483). No submitters have cited clinical-significance assessments for this variant to ClinVar. Based on the evidence outlined above, the variant was classified as pathogenic.

Literature cited by the submitters: PubMed 31144483.

NM_198428.3(BBS9):c.2419C>T (p.Gln807Ter)

Gene: BBS9 (Bardet-Biedl syndrome 9; plus strand). Cytogenetic location: 7p14.3.
Variant type: single nucleotide variant.
Coding change: c.2419C>T on transcript NM_198428.3 (MANE Select); coding-DNA position 2419, C replaced by T.
Protein change: p.Gln807Ter; replaces glutamine 807 with a stop codon.
Molecular consequence: nonsense. On other transcripts: non-coding transcript variant (3).
Genome position (GRCh38, 1-based): chr7:33,534,074, C>T. VCF-style: chr7-33534074-C-T. GRCh37 (hg19) VCF-style: chr7-33573686-C-T.
Other names: c.2314C>T, p.Gln772Ter (NM_001033604.2); c.2404C>T, p.Gln802Ter (NM_001033605.2); c.2419C>T, p.Gln807Ter (NM_001348036.1, NM_001348041.4, NM_001348043.3 and 1 more transcripts); c.1870C>T, p.Gln624Ter (NM_001348037.3); c.2146C>T, p.Gln716Ter (NM_001348038.3); c.2041C>T, p.Gln681Ter (NM_001348039.3); c.2299C>T, p.Gln767Ter (NM_001348040.3, NM_014451.4); c.2284C>T, p.Gln762Ter (NM_001348042.3); and 2 more; short protein forms Q624*, Q650*, Q681*, Q685*, Q716*, Q762*, Q767*, Q772*.
Identifiers: ClinVar variation 3768065 (VCV003768065.1).
Genomic context (GRCh38, chr7:33,534,074, plus strand): 5'-AGTTCTAAGGAGCAGGCTTTGAACCTCAACAGCCAGCTGAACATACCCAAAGACACAAGC[C>T]AACTGAAGAAACATATCACCTTGCTCTGCGATAGATTATCCAAAGGTGGCCGTCTCTGCC-3'